The following is an entry in ClinVar:

NM_033310.3(KCNK4):c.422G>A (p.Arg141Gln)

Genes: KCNK4 (potassium two pore domain channel subfamily K member 4; plus strand), KCNK4-CATSPERZ (KCNK4-CATSPERZ readthrough (NMD candidate); plus strand). Cytogenetic location: 11q13.1.
Variant type: single nucleotide variant.
Coding change: c.422G>A on transcript NM_033310.3 (MANE Select); coding-DNA position 422, G replaced by A.
Protein change: p.Arg141Gln; replaces arginine 141 with glutamine.
Molecular consequence: missense variant. On other transcripts: non-coding transcript variant (3).
Genome position (GRCh38, 1-based): chr11:64,297,227, G>A. VCF-style: chr11-64297227-G-A. GRCh37 (hg19) VCF-style: chr11-64064699-G-A.
Other names: c.422G>A, p.Arg141Gln (NM_001317090.2); short protein forms R141Q.
Identifiers: ClinVar variation 3713095 (VCV003713095.2).

ClinVar aggregate classification (germline): Uncertain significance (1 of 4 stars; one submission).

Submission:

Labcorp Genetics (formerly Invitae), Labcorp
Classification: Uncertain significance. Last evaluated: 2025-01-30. Review status: criteria provided, single submitter. Criteria: Invitae Variant Classification Sherloc (09022015). Collection method: clinical testing. Allele origin: germline.
Comment: This sequence change replaces arginine, which is basic and polar, with glutamine, which is neutral and polar, at codon 141 of the KCNK4 protein (p.Arg141Gln). This variant is present in population databases (no rsID available, gnomAD 0.007%). This variant has not been reported in the literature in individuals affected with KCNK4-related conditions. An algorithm developed to predict the effect of missense changes on protein structure and function (PolyPhen-2) suggests that this variant is likely to be disruptive. In summary, the available evidence is currently insufficient to determine the role of this variant in disease. Therefore, it has been classified as a Variant of Uncertain Significance.